The following is an entry in ClinVar:

NM_001386298.1(CIC):c.5708A>G (p.Gln1903Arg)

Gene: CIC (capicua transcriptional repressor; plus strand). Cytogenetic location: 19q13.2.
Variant type: single nucleotide variant.
Coding change: c.5708A>G on transcript NM_001386298.1 (MANE Select); coding-DNA position 5708, A replaced by G.
Protein change: p.Gln1903Arg; replaces glutamine 1903 with arginine.
Molecular consequence: missense variant.
Genome position (GRCh38, 1-based): chr19:42,292,180, A>G. VCF-style: chr19-42292180-A-G. GRCh37 (hg19) VCF-style: chr19-42796332-A-G.
Other names: c.5708A>G, p.Gln1903Arg (NM_001304815.2, NM_001379480.1, NM_001379482.1); c.2981A>G, p.Gln994Arg (NM_001379484.1, NM_001379485.1, NM_015125.5); c.2981A>G (NM_015125.3); short protein forms Q1903R, Q994R.
Identifiers: ClinVar variation 1701644 (VCV001701644.2), dbSNP rs906467634, ClinGen allele CA308631596.

ClinVar aggregate classification (germline): Uncertain significance. Review status: criteria provided, multiple submitters, no conflicts (2 of 4 stars). 2 submissions from 2 submitters: Uncertain significance (2). Last evaluated 2024-06-17.

Conditions:
Intellectual developmental disorder, autosomal dominant 45. Also called: MENTAL RETARDATION, AUTOSOMAL DOMINANT 45; Intellectual disability, autosomal dominant 45. Identifiers: MedGen C4539848, MONDO:0030910, OMIM 617600.

Allele frequency attached by ClinVar (database versions not stated): gnomAD 0.00001.
gnomAD v4.1: 1 of 1,613,782 alleles (0.000062%); highest among the groups gnomAD compares: African/African-American, 0.0013%; no homozygotes.

Submissions (2):

GeneDx
Classification: Uncertain significance. Last evaluated: 2024-06-17. Review status: criteria provided, single submitter. Criteria: GeneDx Variant Classification Process June 2021. Collection method: clinical testing. Allele origin: germline. Affected: yes.
Comment: Not observed at significant frequency in large population cohorts (gnomAD); In silico analysis indicates that this missense variant does not alter protein structure/function; Has not been previously published as pathogenic or benign to our knowledge

New York Genome Center
Classification: Uncertain significance for Intellectual developmental disorder, autosomal dominant 45. Last evaluated: 2021-09-26. Review status: criteria provided, single submitter. Criteria: NYGC Assertion Criteria 2020. Collection method: clinical testing. Allele origin: inherited. Observed: 1 heterozygote. Study: CSER-NYCKidSeq.